The following is an entry in ClinVar:

NM_005476.7(GNE):c.797G>A (p.Arg266Gln)

Gene: GNE (glucosamine (UDP-N-acetyl)-2-epimerase/N-acetylmannosamine kinase; minus strand). Cytogenetic location: 9p13.3.
Variant type: single nucleotide variant.
Coding change: c.797G>A on transcript NM_005476.7 (MANE Select); coding-DNA position 797, G replaced by A.
Protein change: p.Arg266Gln; replaces arginine 266 with glutamine.
Molecular consequence: missense variant.
Genome position (GRCh38, 1-based): chr9:36,234,105, C>T on the plus strand (G>A on the coding strand, the complement: GNE is on the minus strand). VCF-style: chr9-36234105-C-T. GRCh37 (hg19) VCF-style: chr9-36234102-C-T.
Other names: c.890G>A, p.Arg297Gln (NM_001128227.3); c.797G>A, p.Arg266Gln (NM_001190383.3); c.467G>A, p.Arg156Gln (NM_001190384.3); c.620G>A, p.Arg207Gln (NM_001190388.2, NM_001374798.1); c.644G>A, p.Arg215Gln (NM_001374797.1); short protein forms R266Q, R297Q, R156Q, R207Q, R215Q.
Identifiers: ClinVar variation 6022 (VCV000006022.15), dbSNP rs121908622, ClinGen allele CA340503.

ClinVar aggregate classification (germline): Pathogenic. Review status: criteria provided, multiple submitters, no conflicts (2 of 4 stars). 4 submissions from 4 submitters: Pathogenic (2). 2 of the submissions do not count toward it. Last evaluated 2024-05-22.

Conditions:
Sialuria. Also called: SIALURIA, FRENCH TYPE; Sialic Acid Storage Disease. Identifiers: Orphanet 3166, MedGen C0342853, MONDO:0010028, OMIM 269921.
GNE myopathy (NM). Also called: NONAKA DISTAL MYOPATHY; INCLUSION BODY MYOPATHY, HEREDITARY, AUTOSOMAL RECESSIVE; INCLUSION BODY MYOPATHY 2, AUTOSOMAL RECESSIVE; MYOPATHY, DISTAL, WITH OR WITHOUT RIMMED VACUOLES; IBM 2; Inclusion body myopathy autosomal recessive. Identifiers: Orphanet 602, MedGen C1853926, MONDO:0011603, OMIM 605820.

Submissions (4):

Labcorp Genetics (formerly Invitae), Labcorp
Classification: Pathogenic for Sialuria; GNE myopathy. Last evaluated: 2024-05-22. Review status: criteria provided, single submitter. Criteria: Invitae Variant Classification Sherloc (09022015). Collection method: clinical testing. Allele origin: germline.
Comment: This sequence change replaces arginine, which is basic and polar, with glutamine, which is neutral and polar, at codon 297 of the GNE protein (p.Arg297Gln). This variant is not present in population databases (gnomAD no frequency). This missense change has been observed in individuals with autosomal dominant sialuria (PMID: 10356312, 11326336; Invitae). It has also been observed to segregate with disease in related individuals. This variant is also known as R266Q. ClinVar contains an entry for this variant (Variation ID: 6022). Advanced modeling of protein sequence and biophysical properties (such as structural, functional, and spatial information, amino acid conservation, physicochemical variation, residue mobility, and thermodynamic stability) has been performed at Invitae for this missense variant, however the output from this modeling did not meet the statistical confidence thresholds required to predict the impact of this variant on GNE protein function. Experimental studies have shown that this missense change affects GNE function (PMID: 21436238). This variant disrupts the p.Arg297 amino acid residue in GNE. Other variant(s) that disrupt this residue have been observed in individuals with GNE-related conditions (PMID: 10330343), which suggests that this may be a clinically significant amino acid residue. For these reasons, this variant has been classified as Pathogenic.

Duke University Health System Sequencing Clinic, Duke University Health System
Classification: Pathogenic for Sialuria. Last evaluated: 2023-04-20. Review status: criteria provided, single submitter. Criteria: ACMG Guidelines, 2015. Collection method: research. Allele origin: de novo. Affected: yes.

OMIM
Classification: Pathogenic for SIALURIA. Last evaluated: 2001-06-01. Review status: no assertion criteria provided. Collection method: literature only. Allele origin: germline. Not counted in ClinVar's aggregate classification.

GeneReviews
No classification provided. Condition: Sialuria. Review status: no classification provided. Collection method: literature only. Allele origin: unknown. Not counted in ClinVar's aggregate classification.

Literature cited by the submitters: PubMed 10356312 (cited by Labcorp Genetics (formerly Invitae), Labcorp); PubMed 11326336 (cited by Labcorp Genetics (formerly Invitae), Labcorp and OMIM); PubMed 21436238 (cited by Labcorp Genetics (formerly Invitae), Labcorp); PubMed 10330343 (cited by Labcorp Genetics (formerly Invitae), Labcorp and OMIM); PubMed 25590979 (cited by Duke University Health System Sequencing Clinic, Duke University Health System); PubMed 2808337 (cited by OMIM); PubMed 20301343 (cited by GeneReviews); NCBI Bookshelf NBK1164 (cited by GeneReviews).